The following is an entry in ClinVar:

NM_024675.4(PALB2):c.3427C>T (p.Leu1143Phe)

Gene: PALB2 (partner and localizer of BRCA2; minus strand). Cytogenetic location: 16p12.2.
Variant type: single nucleotide variant.
Coding change: c.3427C>T on transcript NM_024675.4 (MANE Select); coding-DNA position 3427, C replaced by T.
Protein change: p.Leu1143Phe; replaces leucine 1143 with phenylalanine.
Molecular consequence: missense variant.
Genome position (GRCh38, 1-based): chr16:23,603,593, G>A on the plus strand (C>T on the coding strand, the complement: PALB2 is on the minus strand). VCF-style: chr16-23603593-G-A. GRCh37 (hg19) VCF-style: chr16-23614914-G-A.
Other names: c.3367C>T, p.Leu1123Phe (NM_001407296.1); c.3355C>T, p.Leu1119Phe (NM_001407297.1); c.3265C>T, p.Leu1089Phe (NM_001407298.1); c.3190C>T, p.Leu1064Phe (NM_001407299.1); c.3148C>T, p.Leu1050Phe (NM_001407300.1); c.*62C>T (NM_001407301.1, NM_001407302.1, NM_001407310.1 and 2 more transcripts); c.2542C>T, p.Leu848Phe (NM_001407304.1, NM_001407305.1, NM_001407306.1); c.2380C>T, p.Leu794Phe (NM_001407307.1); and 3 more; short protein forms L1143F, L769F, L794F, L1064F, L1123F, L1119F, L547F, L1050F.
Identifiers: ClinVar variation 1987690 (VCV001987690.5), dbSNP rs368694141, ClinGen allele CA7963342.

ClinVar aggregate classification (germline): Conflicting classifications of pathogenicity. Review status: criteria provided, conflicting classifications (1 of 4 stars). 2 submissions from 2 submitters: Uncertain significance (1); Likely benign (1). Last evaluated 2026-02-27.

Conditions:
Hereditary cancer-predisposing syndrome. Also called: Neoplastic Syndromes, Hereditary; Tumor predisposition; Hereditary Cancer Syndrome; Hereditary neoplastic syndrome. Identifiers: Orphanet 140162, MedGen C0027672, MeSH D009386, MONDO:0015356.
Familial cancer of breast. Also called: BREAST CANCER, FAMILIAL; Hereditary breast cancer; hereditary breast carcinoma. Identifiers: Orphanet 227535, MedGen C0346153, MONDO:0016419, OMIM 114480. Disease mechanism: loss of function.

Allele frequency attached by ClinVar (database versions not stated): gnomAD 0.00001; ExAC 0.00002; TOPMed 0.00002; ESP Exome Variant Server 0.00015.
gnomAD v4.1: 1 of 1,613,944 alleles (0.000062%); highest among the groups gnomAD compares: African/African-American, 0.0013%; no homozygotes.

Submissions (2):

Ambry Genetics
Classification: Likely benign for Hereditary cancer-predisposing syndrome. Last evaluated: 2026-02-27. Review status: criteria provided, single submitter. Criteria: Ambry Variant Classification Scheme 2023. Collection method: clinical testing. Allele origin: germline.

Labcorp Genetics (formerly Invitae), Labcorp
Classification: Uncertain significance for Familial cancer of breast. Last evaluated: 2025-04-13. Review status: criteria provided, single submitter. Criteria: Invitae Variant Classification Sherloc (09022015). Collection method: clinical testing. Allele origin: germline.
Comment: This sequence change replaces leucine, which is neutral and non-polar, with phenylalanine, which is neutral and non-polar, at codon 1143 of the PALB2 protein (p.Leu1143Phe). This variant is present in population databases (rs368694141, gnomAD 0.02%). This variant has not been reported in the literature in individuals affected with PALB2-related conditions. ClinVar contains an entry for this variant (Variation ID: 1987690). An algorithm developed to predict the effect of missense changes on protein structure and function outputs the following: PolyPhen-2: "Benign". The phenylalanine amino acid residue is found in multiple mammalian species, which suggests that this missense change does not adversely affect protein function. In summary, the available evidence is currently insufficient to determine the role of this variant in disease. Therefore, it has been classified as a Variant of Uncertain Significance.